The following is an entry in ClinVar:

ClinVar aggregate classification (germline): Uncertain significance (1 of 4 stars; one submission).

Submission:

CeGaT Center for Human Genetics Tuebingen
Classification: Uncertain significance. Last evaluated: 2026-01-01. Review status: criteria provided, single submitter. Criteria: CeGaT Center For Human Genetics Tuebingen Variant Classification Criteria Version 2. Collection method: clinical testing. Allele origin: germline. Affected: yes. Observed: 1 variant allele.
Comment: SYNE1: PM2

NM_182961.4(SYNE1):c.12913C>T (p.His4305Tyr)

Gene: SYNE1 (spectrin repeat containing nuclear envelope protein 1; minus strand). Cytogenetic location: 6q25.2.
Variant type: single nucleotide variant.
Coding change: c.12913C>T on transcript NM_182961.4 (MANE Select); coding-DNA position 12913, C replaced by T.
Protein change: p.His4305Tyr; replaces histidine 4305 with tyrosine.
Molecular consequence: missense variant.
Genome position (GRCh38, 1-based): chr6:152,331,772, G>A on the plus strand (C>T on the coding strand, the complement: SYNE1 is on the minus strand). VCF-style: chr6-152331772-G-A. GRCh37 (hg19) VCF-style: chr6-152652907-G-A.
Other names: c.12700C>T, p.His4234Tyr (NM_033071.5); short protein forms H4234Y, H4305Y.
Identifiers: ClinVar variation 4822723 (VCV004822723.4).
Genomic context (GRCh38, chr6:152,331,772, plus strand): 5'-AACGTTGCTCTAAATGACTCGTCTGTTCTTTGACTAACTCCTTGTCATCTAAATTCAGAT[G>A]CTCTATCATTTTCTGCTTTTGATCTTTCAGATCTTCAATAGCATACTTTCTCTCCTGCAA-3'
Protein context (NP_892006.3, residues 4295-4315): LKDQKQKMIE[His4305Tyr]LNLDDKELVK